The following is an entry in ClinVar:

ClinVar aggregate classification (germline): Benign. Review status: criteria provided, multiple submitters, no conflicts (2 of 4 stars). 2 submissions from 2 submitters: Benign (2). Last evaluated 2018-01-13.

Conditions:
Childhood apraxia of speech (SPCH1). Also called: DEVELOPMENTAL VERBAL DYSPRAXIA; Speech language disorder; FOXP2-Related Speech and Language Disorder; SPEECH AND LANGUAGE DISORDER WITH OROFACIAL DYSPRAXIA. Identifiers: Orphanet 209908, MedGen C0750927, MONDO:0011184, OMIM 602081.

Allele frequency attached by ClinVar (database versions not stated): 1000 Genomes Project 0.00120; 1000 Genomes Project 30x 0.00156; gnomAD 0.00203 and 0.00215; TOPMed 0.00205; gnomAD exomes 0.00359 and 0.00402; ExAC 0.00586.
gnomAD v4.1: 1,520 of 451,776 alleles (0.34%); highest among the groups gnomAD compares: Middle Eastern, 1.1%; 16 homozygotes.

Submissions (2):

Illumina Laboratory Services, Illumina
Classification: Benign for Childhood apraxia of speech. Last evaluated: 2018-01-13. Review status: criteria provided, single submitter. Criteria: ICSL Variant Classification Criteria 13 December 2019. Collection method: clinical testing. Allele origin: germline.
Comment: This variant was observed in the ICSL laboratory as part of a predisposition screen in an ostensibly healthy population. It had not been previously curated by ICSL or reported in the Human Gene Mutation Database (HGMD: prior to June 1st, 2018), and was therefore a candidate for classification through an automated scoring system. Utilizing variant allele frequency, disease prevalence and penetrance estimates, and inheritance mode, an automated score was calculated to assess if this variant is too frequent to cause the disease. Based on the score and internal cut-off values, a variant classified as benign is not then subjected to further curation. The score for this variant resulted in a classification of benign for this disease.

Breakthrough Genomics
Classification: Benign. Review status: criteria provided, single submitter. Criteria: ACMG Guidelines, 2015. Collection method: not provided. Allele origin: germline. Inheritance: Autosomal dominant inheritance. Affected: yes.

NM_014491.4(FOXP2):c.*2082A>G

Gene: FOXP2 (forkhead box P2; plus strand). Cytogenetic location: 7q31.1.
Variant type: single nucleotide variant.
Coding change: c.*2082A>G on transcript NM_014491.4 (MANE Select); 2082 bases downstream of the stop codon, A replaced by G.
Molecular consequence: 3 prime UTR variant. On other transcripts: non-coding transcript variant (2).
Genome position (GRCh38, 1-based): chr7:114,692,008, A>G. VCF-style: chr7-114692008-A-G. GRCh37 (hg19) VCF-style: chr7-114332063-A-G.
Other names: c.*2082A>G (NM_001172766.3, NM_148898.4, NM_148900.4).
Identifiers: ClinVar variation 358651 (VCV000358651.6), dbSNP rs145961115, ClinGen allele CA4446456.